The following is an entry in ClinVar:

ClinVar aggregate classification (germline): Uncertain significance. Review status: criteria provided, multiple submitters, no conflicts (2 of 4 stars). 4 submissions from 4 submitters: Uncertain significance (3). 1 of the submissions does not count toward it. Last evaluated 2025-12-02.

Conditions:
VPS13B-related disorder. Also called: VPS13B-related condition.
Inborn genetic diseases. Identifiers: MedGen C0950123, MeSH D030342.
Cohen syndrome (COH1). Also called: PEPPER SYNDROME; Cutis verticis gyrata, retinitis pigmentosa, and sensorineural deafness. Identifiers: Orphanet 193, MedGen C0265223, MONDO:0008999, OMIM 216550.

Allele frequency attached by ClinVar (database versions not stated): TOPMed below 0.00001; gnomAD exomes 0.00001 and 0.00002; ExAC 0.00002; gnomAD 0.00002.
gnomAD v4.1: 14 of 1,613,540 alleles (0.00087%); highest among the groups gnomAD compares: South Asian, 0.0088%; no homozygotes.

Submissions (4):

Ambry Genetics
Classification: Uncertain significance for Inborn genetic diseases. Last evaluated: 2025-12-02. Review status: criteria provided, single submitter. Criteria: Ambry Variant Classification Scheme 2023. Collection method: clinical testing. Allele origin: germline.

Baylor Genetics
Classification: Uncertain significance for Cohen syndrome. Last evaluated: 2018-12-06. Review status: criteria provided, single submitter. Criteria: ACMG Guidelines, 2015. Collection method: clinical testing. Allele origin: unknown. Affected: yes.
Comment: This variant was determined to be of uncertain significance according to ACMG Guidelines, 2015 [PMID:25741868].

Illumina Laboratory Services, Illumina
Classification: Uncertain significance for Cohen syndrome. Last evaluated: 2018-01-13. Review status: criteria provided, single submitter. Criteria: ICSL Variant Classification Criteria 13 December 2019. Collection method: clinical testing. Allele origin: germline.

PreventionGenetics, part of Exact Sciences
Classification: Uncertain significance for VPS13B-related condition. Last evaluated: 2024-04-04. Review status: no assertion criteria provided. Collection method: clinical testing. Allele origin: germline. Not counted in ClinVar's aggregate classification.
Comment: The VPS13B c.9583G>A variant is predicted to result in the amino acid substitution p.Gly3195Arg. To our knowledge, this variant has not been reported in the literature. This variant is reported in 0.0098% of alleles in individuals of South Asian descent in gnomAD. At this time, the clinical significance of this variant is uncertain due to the absence of conclusive functional and genetic evidence.

NM_152564.5(VPS13B):c.9583G>A (p.Gly3195Arg)

Gene: VPS13B (vacuolar protein sorting 13 homolog B; plus strand). Cytogenetic location: 8q22.2.
Variant type: single nucleotide variant.
Coding change: c.9583G>A on transcript NM_152564.5 (MANE Select); coding-DNA position 9583, G replaced by A.
Protein change: p.Gly3195Arg; replaces glycine 3195 with arginine.
Molecular consequence: missense variant.
Genome position (GRCh38, 1-based): chr8:99,832,621, G>A. VCF-style: chr8-99832621-G-A. GRCh37 (hg19) VCF-style: chr8-100844849-G-A.
Other names: c.9658G>A, p.Gly3220Arg (NM_017890.5); c.9583G>A (NM_152564.4); c.9658G>A (NM_017890.3); short protein forms G3195R, G3220R.
Identifiers: ClinVar variation 361082 (VCV000361082.8), dbSNP rs772658121, ClinGen allele CA4824729.